The following is an entry in ClinVar:

ClinVar aggregate classification (germline): Uncertain significance. Review status: criteria provided, multiple submitters, no conflicts (2 of 4 stars). 2 submissions from 2 submitters: Uncertain significance (2). Last evaluated 2025-06-20.

Conditions:
Developmental and epileptic encephalopathy, 23 (DEE23). Also called: Epileptic encephalopathy, early infantile, 23. Identifiers: Orphanet 411986, MedGen C4014492, MONDO:0014371, OMIM 615859.
Inborn genetic diseases. Identifiers: MedGen C0950123, MeSH D030342.

Allele frequency attached by ClinVar (database versions not stated): gnomAD exomes 0.00001; ExAC 0.00002; gnomAD 0.00002 and 0.00003; TOPMed 0.00002; ESP Exome Variant Server 0.00015.
gnomAD v4.1: 10 of 1,613,276 alleles (0.00062%); highest among the groups gnomAD compares: African/African-American, 0.0027%; no homozygotes.

Submissions (2):

Labcorp Genetics (formerly Invitae), Labcorp
Classification: Uncertain significance for Developmental and epileptic encephalopathy, 23. Last evaluated: 2025-06-20. Review status: criteria provided, single submitter. Criteria: Invitae Variant Classification Sherloc (09022015). Collection method: clinical testing. Allele origin: germline.
Comment: This sequence change replaces arginine, which is basic and polar, with histidine, which is basic and polar, at codon 1609 of the DOCK7 protein (p.Arg1609His). This variant is present in population databases (rs142960242, gnomAD 0.01%). This variant has not been reported in the literature in individuals affected with DOCK7-related conditions. ClinVar contains an entry for this variant (Variation ID: 565548). Invitae Evidence Modeling of protein sequence and biophysical properties (such as structural, functional, and spatial information, amino acid conservation, physicochemical variation, residue mobility, and thermodynamic stability) indicates that this missense variant is not expected to disrupt DOCK7 protein function with a negative predictive value of 80%. In summary, the available evidence is currently insufficient to determine the role of this variant in disease. Therefore, it has been classified as a Variant of Uncertain Significance.

Ambry Genetics
Classification: Uncertain significance for Inborn genetic diseases. Last evaluated: 2025-05-13. Review status: criteria provided, single submitter. Criteria: Ambry Variant Classification Scheme 2023. Collection method: clinical testing. Allele origin: germline.

NM_001367561.1(DOCK7):c.4853G>A (p.Arg1618His)

Gene: DOCK7 (dedicator of cytokinesis 7; minus strand). Cytogenetic location: 1p31.3.
Variant type: single nucleotide variant.
Coding change: c.4853G>A on transcript NM_001367561.1 (MANE Select); coding-DNA position 4853, G replaced by A.
Protein change: p.Arg1618His; replaces arginine 1618 with histidine.
Molecular consequence: missense variant.
Genome position (GRCh38, 1-based): chr1:62,496,409, C>T on the plus strand (G>A on the coding strand, the complement: DOCK7 is on the minus strand). VCF-style: chr1-62496409-C-T. GRCh37 (hg19) VCF-style: chr1-62962080-C-T.
Other names: c.4826G>A, p.Arg1609His (NM_001271999.2, NM_001330614.2); c.4733G>A, p.Arg1578His (NM_001272000.2, NM_001272001.2); c.4760G>A, p.Arg1587His (NM_033407.4); c.4760G>A (NM_033407.2); short protein forms R1587H, R1609H, R1618H, R1578H.
Identifiers: ClinVar variation 565548 (VCV000565548.6), dbSNP rs142960242, ClinGen allele CA885601.